The following is an entry in ClinVar:

NM_001040108.2(MLH3):c.3640G>T (p.Ala1214Ser)

Gene: MLH3 (mutL homolog 3; minus strand). Cytogenetic location: 14q24.3.
Variant type: single nucleotide variant.
Coding change: c.3640G>T on transcript NM_001040108.2 (MANE Select); coding-DNA position 3640, G replaced by T.
Protein change: p.Ala1214Ser; replaces alanine 1214 with serine.
Molecular consequence: missense variant.
Genome position (GRCh38, 1-based): chr14:75,038,343, C>A on the plus strand (G>T on the coding strand, the complement: MLH3 is on the minus strand). VCF-style: chr14-75038343-C-A. GRCh37 (hg19) VCF-style: chr14-75505046-C-A.
Other names: c.3640G>T, p.Ala1214Ser (NM_014381.3); short protein forms A1214S.
Identifiers: ClinVar variation 5024577 (VCV005024577.1).

ClinVar aggregate classification (germline): Uncertain significance (1 of 4 stars; one submission).

Submission:

Ambry Genetics
Classification: Uncertain significance. Last evaluated: 2026-06-24. Review status: criteria provided, single submitter. Criteria: Ambry Variant Classification Scheme 2023. Collection method: clinical testing. Allele origin: germline.
Comment: The p.A1214S variant (also known as c.3640G>T), located in coding exon 5 of the MLH3 gene, results from a G to T substitution at nucleotide position 3640. The alanine at codon 1214 is replaced by serine, an amino acid with similar properties. This amino acid position is conserved. In addition, this alteration is predicted to be tolerated by in silico analysis. Based on the available evidence, the clinical significance of this variant remains unclear.